The following is an entry in ClinVar:

NM_031229.4(RBCK1):c.1276G>A (p.Val426Met)

Gene: RBCK1 (RANBP2-type and C3HC4-type zinc finger containing 1; plus strand). Cytogenetic location: 20p13.
Variant type: single nucleotide variant.
Coding change: c.1276G>A on transcript NM_031229.4 (MANE Select); coding-DNA position 1276, G replaced by A.
Protein change: p.Val426Met; replaces valine 426 with methionine.
Molecular consequence: missense variant. On other transcripts: non-coding transcript variant (1).
Genome position (GRCh38, 1-based): chr20:428,557, G>A. VCF-style: chr20-428557-G-A. GRCh37 (hg19) VCF-style: chr20-409201-G-A.
Other names: c.766G>A, p.Val256Met (NM_001323956.2, NM_001323958.2); c.1150G>A, p.Val384Met (NM_006462.6); short protein forms V256M, V384M, V426M.
Identifiers: ClinVar variation 1399653 (VCV001399653.3), dbSNP rs763071132, ClinGen allele CA9723325.

ClinVar aggregate classification (germline): Uncertain significance (1 of 4 stars; one submission).

Conditions:
Polyglucosan body myopathy type 1 (PGBM1). Also called: Polyglucosan body myopathy 1 with or without immunodeficiency; POLYGLUCOSAN BODY MYOPATHY WITHOUT IMMUNODEFICIENCY. Identifiers: Orphanet 329173, Orphanet 397937, MedGen C4014605, MONDO:0014389, OMIM 615895.

Allele frequency attached by ClinVar (database versions not stated): ExAC 0.00001; TOPMed 0.00002.
gnomAD v4.1: 3 of 1,612,464 alleles (0.00019%); highest among the groups gnomAD compares: Admixed American, 0.005%; no homozygotes.

Submission:

Labcorp Genetics (formerly Invitae), Labcorp
Classification: Uncertain significance for Polyglucosan body myopathy type 1. Last evaluated: 2021-12-24. Review status: criteria provided, single submitter. Criteria: Invitae Variant Classification Sherloc (09022015). Collection method: clinical testing. Allele origin: germline.
Comment: This sequence change replaces valine, which is neutral and non-polar, with methionine, which is neutral and non-polar, at codon 426 of the RBCK1 protein (p.Val426Met). This variant is present in population databases (rs763071132, gnomAD 0.006%). This variant has not been reported in the literature in individuals affected with RBCK1-related conditions. Algorithms developed to predict the effect of missense changes on protein structure and function output the following: SIFT: "Not Available"; PolyPhen-2: "Benign"; Align-GVGD: "Not Available". The methionine amino acid residue is found in multiple mammalian species, which suggests that this missense change does not adversely affect protein function. In summary, the available evidence is currently insufficient to determine the role of this variant in disease. Therefore, it has been classified as a Variant of Uncertain Significance.